The following is an entry in ClinVar:

ClinVar aggregate classification (germline): Uncertain significance (1 of 4 stars; one submission).

Conditions:
Cardiovascular phenotype. Identifiers: MedGen CN230736.

Submission:

Ambry Genetics
Classification: Uncertain significance for Cardiovascular phenotype. Last evaluated: 2025-05-14. Review status: criteria provided, single submitter. Criteria: Ambry Variant Classification Scheme 2023. Collection method: clinical testing. Allele origin: germline.
Comment: The p.T1010A variant (also known as c.3028A>G), located in coding exon 20 of the TRPM4 gene, results from an A to G substitution at nucleotide position 3028. The threonine at codon 1010 is replaced by alanine, an amino acid with similar properties. This amino acid position is conserved. In addition, this alteration is predicted to be tolerated by in silico analysis. Based on the available evidence, the clinical significance of this variant remains unclear.

NM_017636.4(TRPM4):c.3028A>G (p.Thr1010Ala)

Gene: TRPM4 (transient receptor potential cation channel subfamily M member 4; plus strand). Cytogenetic location: 19q13.33.
Variant type: single nucleotide variant.
Coding change: c.3028A>G on transcript NM_017636.4 (MANE Select); coding-DNA position 3028, A replaced by G.
Protein change: p.Thr1010Ala; replaces threonine 1010 with alanine.
Molecular consequence: missense variant.
Genome position (GRCh38, 1-based): chr19:49,202,038, A>G. VCF-style: chr19-49202038-A-G. GRCh37 (hg19) VCF-style: chr19-49705295-A-G.
Other names: c.2593A>G, p.Thr865Ala (NM_001195227.2); c.2683A>G, p.Thr895Ala (NM_001321281.2); c.1420A>G, p.Thr474Ala (NM_001321282.2); c.2506A>G, p.Thr836Ala (NM_001321283.2); c.1966A>G, p.Thr656Ala (NM_001321285.2); short protein forms T895A, T1010A, T836A, T865A, T474A, T656A.
Identifiers: ClinVar variation 3974277 (VCV003974277.1).